The following is an entry in ClinVar:

ClinVar aggregate classification (germline): Uncertain significance (1 of 4 stars; one submission).

Submission:

Labcorp Genetics (formerly Invitae), Labcorp
Classification: Uncertain significance. Last evaluated: 2025-03-13. Review status: criteria provided, single submitter. Criteria: Invitae Variant Classification Sherloc (09022015). Collection method: clinical testing. Allele origin: germline.
Comment: This sequence change replaces glutamic acid, which is acidic and polar, with lysine, which is basic and polar, at codon 785 of the LIG1 protein (p.Glu785Lys). This variant is present in population databases (rs746026463, gnomAD 0.006%). This variant has not been reported in the literature in individuals affected with LIG1-related conditions. An algorithm developed to predict the effect of missense changes on protein structure and function outputs the following: PolyPhen-2: "Benign". The lysine amino acid residue is found in multiple mammalian species, which suggests that this missense change does not adversely affect protein function. In summary, the available evidence is currently insufficient to determine the role of this variant in disease. Therefore, it has been classified as a Variant of Uncertain Significance.

NM_000234.3(LIG1):c.2353G>A (p.Glu785Lys)

Gene: LIG1 (DNA ligase 1; minus strand). Cytogenetic location: 19q13.33.
Variant type: single nucleotide variant.
Coding change: c.2353G>A on transcript NM_000234.3 (MANE Select); coding-DNA position 2353, G replaced by A.
Protein change: p.Glu785Lys; replaces glutamic acid 785 with lysine.
Molecular consequence: missense variant. On other transcripts: non-coding transcript variant (6).
Genome position (GRCh38, 1-based): chr19:48,121,202, C>T on the plus strand (G>A on the coding strand, the complement: LIG1 is on the minus strand). VCF-style: chr19-48121202-C-T. GRCh37 (hg19) VCF-style: chr19-48624459-C-T.
Other names: c.2260G>A, p.Glu754Lys (NM_001289063.2); c.2149G>A, p.Glu717Lys (NM_001289064.2); c.2350G>A, p.Glu784Lys (NM_001320970.2); c.2263G>A, p.Glu755Lys (NM_001320971.2); short protein forms E785K, E754K, E717K, E755K, E784K.
Identifiers: ClinVar variation 4778791 (VCV004778791.1).